The following is an entry in ClinVar:

NM_004462.5(FDFT1):c.99+410G>A

Gene: FDFT1 (farnesyl-diphosphate farnesyltransferase 1). Cytogenetic location: 8p23.1.
Variant type: single nucleotide variant.
Coding change: c.99+410G>A on transcript NM_004462.5 (MANE Select); 410 bases into the intron after coding-DNA position 99, G replaced by A.
Molecular consequence: intron variant. On other transcripts: 5 prime UTR variant (2).
Genome position (GRCh38, 1-based): chr8:11,803,341, G>A. VCF-style: chr8-11803341-G-A. GRCh37 (hg19) VCF-style: chr8-11660850-G-A.
Other names: c.-271G>A (NM_001287745.2, NM_001287747.2); c.99+410G>A (NM_001287742.2, NM_001287743.2); c.-93-5453G>A (NM_001287744.2); c.64+431G>A (NM_001287756.2); c.-94+116G>A (NM_001287748.2).
Identifiers: ClinVar variation 2499068 (VCV002499068.27), dbSNP rs141381802, ClinGen allele CA4631567.

ClinVar aggregate classification (germline): Likely benign (1 of 4 stars; one submission).

Allele frequency attached by ClinVar (database versions not stated): 1000 Genomes Project 30x 0.00250; TOPMed 0.00298; ExAC 0.00306; 1000 Genomes Project 0.00319; gnomAD exomes 0.00447; gnomAD 0.00602.
gnomAD v4.1: 5,989 of 1,291,940 alleles (0.46%); highest among the groups gnomAD compares: Non-Finnish European, 0.49%; 42 homozygotes.

Submission:

CeGaT Center for Human Genetics Tuebingen
Classification: Likely benign. Last evaluated: 2023-07-01. Review status: criteria provided, single submitter. Criteria: CeGaT Center For Human Genetics Tuebingen Variant Classification Criteria Version 2. Collection method: clinical testing. Allele origin: germline. Affected: yes. Observed: 13 variant alleles.
Comment: FDFT1: BS2